The following is an entry in ClinVar:

ClinVar aggregate classification (germline): Uncertain significance. Review status: criteria provided, multiple submitters, no conflicts (2 of 4 stars). 3 submissions from 3 submitters: Uncertain significance (3). Last evaluated 2024-11-24.

Conditions:
MED12L-related disorder. Also called: MED12L-related condition.
Nizon-Isidor syndrome. Identifiers: MedGen C5394350, MONDO:0030030, OMIM 618872.
Inborn genetic diseases. Identifiers: MedGen C0950123, MeSH D030342.

Allele frequency attached by ClinVar (database versions not stated): gnomAD exomes below 0.00001 and 0.00006; gnomAD 0.00001; TOPMed 0.00002.
gnomAD v4.1: 90 of 1,610,302 alleles (0.0056%); highest among the groups gnomAD compares: Non-Finnish European, 0.0073%; no homozygotes.

Submissions (3):

Ambry Genetics
Classification: Uncertain significance for Inborn genetic diseases. Last evaluated: 2024-11-24. Review status: criteria provided, single submitter. Criteria: Ambry Variant Classification Scheme 2023. Collection method: clinical testing. Allele origin: germline.

PreventionGenetics, part of Exact Sciences
Classification: Uncertain significance for MED12L-related condition. Last evaluated: 2023-03-27. Review status: criteria provided, single submitter. Criteria: ACMG Guidelines, 2015. Collection method: clinical testing. Allele origin: germline.
Comment: The MED12L c.701A>G variant is predicted to result in the amino acid substitution p.Glu234Gly. To our knowledge, this variant has not been reported in the literature. This variant is reported in 0.0030% of alleles in individuals of Latino descent in gnomAD. At this time, the clinical significance of this variant is uncertain due to the absence of conclusive functional and genetic evidence.

New York Genome Center
Classification: Uncertain significance for Nizon-Isidor syndrome. Last evaluated: 2021-06-17. Review status: criteria provided, single submitter. Criteria: NYGC Assertion Criteria 2020. Collection method: clinical testing. Allele origin: inherited. Observed: 1 heterozygote. Study: CSER-NYCKidSeq.

NM_001393769.1(MED12L):c.701A>G (p.Glu234Gly)

Gene: MED12L (mediator complex subunit 12L; plus strand). Cytogenetic location: 3q25.1.
Variant type: single nucleotide variant.
Coding change: c.701A>G on transcript NM_001393769.1 (MANE Select); coding-DNA position 701, A replaced by G.
Protein change: p.Glu234Gly; replaces glutamic acid 234 with glycine.
Molecular consequence: missense variant.
Genome position (GRCh38, 1-based): chr3:151,156,305, A>G. VCF-style: chr3-151156305-A-G. GRCh37 (hg19) VCF-style: chr3-150874092-A-G.
Other names: c.701A>G, p.Glu234Gly (NM_053002.6); c.701A>G (NM_053002.4); short protein forms E234G.
Identifiers: ClinVar variation 1696476 (VCV001696476.3), dbSNP rs761030969, ClinGen allele CA85699884.